The following is an entry in ClinVar:

ClinVar aggregate classification (germline): Conflicting classifications of pathogenicity. Review status: criteria provided, conflicting classifications (1 of 4 stars). 4 submissions from 4 submitters: Uncertain significance (2); Likely benign (2). Last evaluated 2026-01-09.

Conditions:
Long QT syndrome (LQTS). Identifiers: MedGen C0023976, MeSH D008133, MONDO:0002442. Disease mechanism: loss of function. Inheritance: Various modes of inheritance.
Cardiovascular phenotype. Identifiers: MedGen CN230736.
Cardiac arrhythmia, ankyrin-B-related. Also called: ANKYRIN-B SYNDROME. Identifiers: Orphanet 101016, Orphanet 768, MedGen C1970119, MONDO:0010958, OMIM 600919.

Allele frequency attached by ClinVar (database versions not stated): gnomAD exomes 0.00003 and 0.00004; gnomAD 0.00004 and 0.00005; TOPMed 0.00004; ExAC 0.00005; 1000 Genomes Project 30x 0.00016; 1000 Genomes Project 0.00020.
gnomAD v4.1: 57 of 1,614,064 alleles (0.0035%); highest among the groups gnomAD compares: African/African-American, 0.011%; no homozygotes.

Submissions (4):

Labcorp Genetics (formerly Invitae), Labcorp
Classification: Uncertain significance for Long QT syndrome. Last evaluated: 2026-01-09. Review status: criteria provided, single submitter. Criteria: Invitae Variant Classification Sherloc (09022015). Collection method: clinical testing. Allele origin: germline.
Comment: This sequence change replaces threonine, which is neutral and polar, with methionine, which is neutral and non-polar, at codon 2500 of the ANK2 protein (p.Thr2500Met). This variant is present in population databases (rs200377748, gnomAD 0.01%). This variant has not been reported in the literature in individuals affected with ANK2-related conditions. ClinVar contains an entry for this variant (Variation ID: 582654). An algorithm developed to predict the effect of missense changes on protein structure and function outputs the following: PolyPhen-2: "Benign". The methionine amino acid residue is found in multiple mammalian species, which suggests that this missense change does not adversely affect protein function. In summary, the available evidence is currently insufficient to determine the role of this variant in disease. Therefore, it has been classified as a Variant of Uncertain Significance.

Molecular Diagnostic Laboratory for Inherited Cardiovascular Disease, Montreal Heart Institute
Classification: Likely benign. Last evaluated: 2025-04-09. Review status: criteria provided, single submitter. Criteria: ACMG Guidelines, 2015. Collection method: clinical testing. Allele origin: germline. Affected: no.
Comment: BP4

Ambry Genetics
Classification: Likely benign for Cardiovascular phenotype. Last evaluated: 2024-08-19. Review status: criteria provided, single submitter. Criteria: Ambry Variant Classification Scheme 2023. Collection method: clinical testing. Allele origin: germline.

Center for Genomics, Ann and Robert H. Lurie Children's Hospital of Chicago
Classification: Uncertain significance for Cardiac arrhythmia, ankyrin-B-related. Review status: criteria provided, single submitter. Criteria: ACMG Guidelines, 2015. Collection method: clinical testing. Allele origin: germline.
Comment: ANK2 NM_001148.4 exon 38 p.Thr2500Met (c.7499C>T): This variant has not been reported in the literature but is present in 0.01% (4/34568) of Latino alleles in the Genome Aggregation Database. This variant is present in ClinVar (Variation ID:582654). This variant amino acid Methionine (Met) is present in several species including multiple primates, and it is not well conserved among evolutionarily distant species; this suggests that this variant may not impact the protein. Additional computational prediction tools do not suggest an impact. In summary, data on this variant is insufficient for disease classification. Therefore, the clinical significance of this variant is uncertain.

NM_001148.6(ANK2):c.7499C>T (p.Thr2500Met)

Genes: ANK2 (ankyrin 2; plus strand), LOC126807137 (CDK7 strongly-dependent group 2 enhancer GRCh37_chr4:114276560-114277759; plus strand). Cytogenetic location: 4q26.
Variant type: single nucleotide variant.
Coding change: c.7499C>T on transcript NM_001148.6 (MANE Select); coding-DNA position 7499, C replaced by T.
Protein change: p.Thr2500Met; replaces threonine 2500 with methionine.
Molecular consequence: missense variant. On other transcripts: intron variant (68).
Genome position (GRCh38, 1-based): chr4:113,356,117, C>T. VCF-style: chr4-113356117-C-T. GRCh37 (hg19) VCF-style: chr4-114277273-C-T.
Other names: c.7499C>T (NM_001148.5); c.7265C>T, p.Thr2422Met (NM_001386142.1); c.3899C>T, p.Thr1300Met (NM_001386166.1); c.7640C>T, p.Thr2547Met (NM_001386174.1); c.7616C>T, p.Thr2539Met (NM_001386175.1); c.4412-4706C>T (NM_001386186.2, NM_001386148.2); c.4214-4706C>T (NM_001354269.3); c.4292-4706C>T (NM_001386187.2); and 36 more; short protein forms T2500M, T1300M, T2422M, T2539M, T2547M.
Identifiers: ClinVar variation 582654 (VCV000582654.13), dbSNP rs200377748, ClinGen allele CA3051595.
Genomic context (GRCh38, chr4:113,356,117, plus strand): 5'-CTGGAATTTTTCCAAGTCACTTTCCTCTTCCTGCAGCTGTTGCCAAAACAGAACTCTTGA[C>T]GGAAGTGGCCTCTGTGCGGTCCCGGCTACTCCGAGACCCTGATGGCAGTGCTGAGGATGA-3'
Protein context (NP_001139.3, residues 2490-2510): PAAVAKTELL[Thr2500Met]EVASVRSRLL